The following is an entry in ClinVar:

ClinVar aggregate classification (germline): Pathogenic (1 of 4 stars; one submission).

Conditions:
Ehlers-Danlos syndrome due to tenascin-X deficiency (EDSCLL1). Also called: EHLERS-DANLOS SYNDROME, CLASSIC-LIKE; Ehlers-Danlos syndrome, classic-like, 1; TNX DEFICIENCY; TNXB-Related Classical-Like Ehlers-Danlos Syndrome; EDS DUE TO TNX DEFICIENCY. Identifiers: Orphanet 230839, MedGen C1848029, MONDO:0011670, OMIM 606408.

Allele frequency attached by ClinVar (database versions not stated): gnomAD exomes below 0.00001.

Submission:

Women's Health and Genetics/Laboratory Corporation of America, LabCorp
Classification: Pathogenic for Ehlers-Danlos syndrome due to tenascin-X deficiency. Last evaluated: 2023-12-13. Review status: criteria provided, single submitter. Criteria: LabCorp Variant Classification Summary - May 2015. Collection method: clinical testing. Allele origin: germline.
Comment: Variant summary: TNXB c.3908delA (p.Gln1303ArgfsX25) results in a premature termination codon, predicted to cause a truncation of the encoded protein or absence of the protein due to nonsense mediated decay, which are commonly known mechanisms for disease. The variant allele was found at a frequency of 4.2e-06 in 238106 control chromosomes. To our knowledge, no occurrence of c.3908delA in individuals affected with Ehlers-Danlos-like syndrome and no experimental evidence demonstrating its impact on protein function have been reported. No submitters have cited clinical-significance assessments for this variant to ClinVar after 2014. Based on the evidence outlined above, the variant was classified as pathogenic.

NM_001365276.2(TNXB):c.3908del (p.Gln1303fs)

Gene: TNXB (tenascin XB; minus strand). Cytogenetic location: 6p21.33.
Variant type: Deletion.
Coding change: c.3908del on transcript NM_001365276.2 (MANE Select); coding-DNA position 3908, one base deleted (A; older notation c.3908delA).
Protein change: p.Gln1303fs; shifts the reading frame from glutamine 1303.
Molecular consequence: frameshift variant.
Genome position (GRCh38, 1-based): chr6:32,081,502, T deleted on the plus strand (A on the coding strand, the reverse complement: TNXB is on the minus strand). VCF-style (leftmost placement, unchanged base first): chr6-32081501-CT-C. GRCh37 (hg19) VCF-style: chr6-32049278-CT-C.
Other names: c.3908del, p.Gln1303fs (NM_019105.8); c.3908delA (NM_019105.8); short protein forms Q1303fs.
Identifiers: ClinVar variation 2691676 (VCV002691676.1), dbSNP rs1562851618, ClinGen allele CA917713402.